The following is an entry in ClinVar:

ClinVar aggregate classification (germline): Uncertain significance. Review status: criteria provided, multiple submitters, no conflicts (2 of 4 stars). 3 submissions from 3 submitters: Uncertain significance (3). Last evaluated 2024-10-17.

Conditions:
Hereditary cancer-predisposing syndrome. Also called: Neoplastic Syndromes, Hereditary; Tumor predisposition; Hereditary Cancer Syndrome; Hereditary neoplastic syndrome. Identifiers: Orphanet 140162, MedGen C0027672, MeSH D009386, MONDO:0015356.
Familial cancer of breast. Also called: BREAST CANCER, FAMILIAL; Hereditary breast cancer; hereditary breast carcinoma. Identifiers: Orphanet 227535, MedGen C0346153, MONDO:0016419, OMIM 114480. Disease mechanism: loss of function.

Allele frequency attached by ClinVar (database versions not stated): gnomAD 0.00001.
gnomAD v4.1: 4 of 1,614,060 alleles (0.00025%); highest among the groups gnomAD compares: Admixed American, 0.0017%; no homozygotes.

Submissions (3):

Ambry Genetics
Classification: Uncertain significance for Hereditary cancer-predisposing syndrome. Last evaluated: 2024-10-17. Review status: criteria provided, single submitter. Criteria: Ambry Variant Classification Scheme 2023. Collection method: clinical testing. Allele origin: germline.
Comment: The p.Q701E variant (also known as c.2101C>G), located in coding exon 11 of the BARD1 gene, results from a C to G substitution at nucleotide position 2101. The glutamine at codon 701 is replaced by glutamic acid, an amino acid with highly similar properties. This amino acid position is well conserved in available vertebrate species. In addition, this alteration is predicted to be tolerated by in silico analysis. Since supporting evidence is limited at this time, the clinical significance of this alteration remains unclear.

Labcorp Genetics (formerly Invitae), Labcorp
Classification: Uncertain significance for Familial cancer of breast. Last evaluated: 2024-08-21. Review status: criteria provided, single submitter. Criteria: Invitae Variant Classification Sherloc (09022015). Collection method: clinical testing. Allele origin: germline.
Comment: This sequence change replaces glutamine, which is neutral and polar, with glutamic acid, which is acidic and polar, at codon 701 of the BARD1 protein (p.Gln701Glu). This variant is not present in population databases (gnomAD no frequency). This variant has not been reported in the literature in individuals affected with BARD1-related conditions. ClinVar contains an entry for this variant (Variation ID: 142267). An algorithm developed to predict the effect of missense changes on protein structure and function (PolyPhen-2) suggests that this variant¬†is likely to be tolerated. In summary, the available evidence is currently insufficient to determine the role of this variant in disease. Therefore, it has been classified as a Variant of Uncertain Significance.

Baylor Genetics
Classification: Uncertain significance for Familial cancer of breast. Last evaluated: 2024-01-17. Review status: criteria provided, single submitter. Criteria: ACMG Guidelines, 2015. Collection method: clinical testing. Allele origin: unknown.

NM_000465.4(BARD1):c.2101C>G (p.Gln701Glu)

Gene: BARD1 (BRCA1 associated RING domain 1; minus strand). Cytogenetic location: 2q35.
Variant type: single nucleotide variant.
Coding change: c.2101C>G on transcript NM_000465.4 (MANE Select); coding-DNA position 2101, C replaced by G.
Protein change: p.Gln701Glu; replaces glutamine 701 with glutamic acid.
Molecular consequence: missense variant. On other transcripts: non-coding transcript variant (3).
Genome position (GRCh38, 1-based): chr2:214,728,909, G>C on the plus strand (C>G on the coding strand, the complement: BARD1 is on the minus strand). VCF-style: chr2-214728909-G-C. GRCh37 (hg19) VCF-style: chr2-215593633-G-C.
Other names: c.2044C>G, p.Gln682Glu (NM_001282543.2); c.748C>G, p.Gln250Glu (NM_001282545.2); c.691C>G, p.Gln231Glu (NM_001282548.2); c.562C>G, p.Gln188Glu (NM_001282549.2); short protein forms Q701E, Q188E, Q231E, Q250E, Q682E.
Identifiers: ClinVar variation 142267 (VCV000142267.17), dbSNP rs587782348, ClinGen allele CA167917.